The following is an entry in ClinVar:

NM_001199138.2(NLRC4):c.1414G>T (p.Gly472Cys)

Gene: NLRC4 (NLR family CARD domain containing 4; minus strand). Cytogenetic location: 2p22.3.
Variant type: single nucleotide variant.
Coding change: c.1414G>T on transcript NM_001199138.2 (MANE Select); coding-DNA position 1414, G replaced by T.
Protein change: p.Gly472Cys; replaces glycine 472 with cysteine.
Molecular consequence: missense variant. On other transcripts: intron variant (1).
Genome position (GRCh38, 1-based): chr2:32,250,450, C>A on the plus strand (G>T on the coding strand, the complement: NLRC4 is on the minus strand). VCF-style: chr2-32250450-C-A. GRCh37 (hg19) VCF-style: chr2-32475519-C-A.
Other names: c.1414G>T, p.Gly472Cys (NM_001199139.2, NM_021209.5); c.262+1969G>T (NM_001302504.1); short protein forms G472C.
Identifiers: ClinVar variation 4793336 (VCV004793336.1).

ClinVar aggregate classification (germline): Uncertain significance (1 of 4 stars; one submission).

Conditions:
Periodic fever-infantile enterocolitis-autoinflammatory syndrome. Also called: Autoinflammation with infantile enterocolitis. Identifiers: Orphanet 436166, MedGen C4015067, MONDO:0014472, OMIM 616050.
Familial cold autoinflammatory syndrome 4 (FCAS4). Identifiers: Orphanet 47045, Orphanet 576349, MedGen C4015276, MONDO:0014498, OMIM 616115.

Submission:

Labcorp Genetics (formerly Invitae), Labcorp
Classification: Uncertain significance for Periodic fever-infantile enterocolitis-autoinflammatory syndrome; Familial cold autoinflammatory syndrome 4. Last evaluated: 2025-11-25. Review status: criteria provided, single submitter. Criteria: Invitae Variant Classification Sherloc (09022015). Collection method: clinical testing. Allele origin: germline.
Comment: This sequence change replaces glycine, which is neutral and non-polar, with cysteine, which is neutral and slightly polar, at codon 472 of the NLRC4 protein (p.Gly472Cys). This variant is not present in population databases (gnomAD no frequency). This variant has not been reported in the literature in individuals affected with NLRC4-related conditions. Invitae Evidence Modeling of protein sequence and biophysical properties (such as structural, functional, and spatial information, amino acid conservation, physicochemical variation, residue mobility, and thermodynamic stability) indicates that this missense variant is not expected to disrupt NLRC4 protein function with a negative predictive value of 80%. In summary, the available evidence is currently insufficient to determine the role of this variant in disease. Therefore, it has been classified as a Variant of Uncertain Significance.